The following is an entry in ClinVar:

NM_001164277.2(SLC37A4):c.940T>C (p.Ser314Pro)

Gene: SLC37A4 (solute carrier family 37 member 4; minus strand). Cytogenetic location: 11q23.3.
Variant type: single nucleotide variant.
Coding change: c.940T>C on transcript NM_001164277.2 (MANE Select); coding-DNA position 940, T replaced by C.
Protein change: p.Ser314Pro; replaces serine 314 with proline.
Molecular consequence: missense variant.
Genome position (GRCh38, 1-based): chr11:119,026,011, A>G on the plus strand (T>C on the coding strand, the complement: SLC37A4 is on the minus strand). VCF-style: chr11-119026011-A-G. GRCh37 (hg19) VCF-style: chr11-118896721-A-G.
Other names: c.940T>C, p.Ser314Pro (NM_001164278.2, NM_001164280.2, NM_001467.6); c.721T>C, p.Ser241Pro (NM_001164279.2); short protein forms S314P, S241P.
Identifiers: ClinVar variation 1360934 (VCV001360934.3), dbSNP rs1365079218, ClinGen allele CA382897562.

ClinVar aggregate classification (germline): Uncertain significance (1 of 4 stars; one submission).

Conditions:
Glucose-6-phosphate transport defect (GSD1B). Also called: Glycogen Storage Disease Type Ib; GSD Ib. Identifiers: Orphanet 364, Orphanet 79259, MedGen C0268146, MONDO:0009288, OMIM 232220.

Allele frequency attached by ClinVar (database versions not stated): gnomAD exomes below 0.00001; gnomAD 0.00001; TOPMed 0.00002.

Submission:

Labcorp Genetics (formerly Invitae), Labcorp
Classification: Uncertain significance for Glucose-6-phosphate transport defect. Last evaluated: 2021-08-14. Review status: criteria provided, single submitter. Criteria: Invitae Variant Classification Sherloc (09022015). Collection method: clinical testing. Allele origin: germline.
Comment: This sequence change replaces serine with proline at codon 314 of the SLC37A4 protein (p.Ser314Pro). The serine residue is highly conserved and there is a moderate physicochemical difference between serine and proline. This variant is not present in population databases (ExAC no frequency). This variant has not been reported in the literature in individuals affected with SLC37A4-related conditions. Experimental studies and prediction algorithms are not available or were not evaluated, and the functional significance of this variant is currently unknown. In summary, the available evidence is currently insufficient to determine the role of this variant in disease. Therefore, it has been classified as a Variant of Uncertain Significance.